The following is an entry in ClinVar:

NM_000455.5(STK11):c.672T>A (p.Ile224=)

Gene: STK11 (serine/threonine kinase 11; plus strand). Cytogenetic location: 19p13.3.
Variant type: single nucleotide variant.
Coding change: c.672T>A on transcript NM_000455.5 (MANE Select); coding-DNA position 672, T replaced by A.
Protein change: p.Ile224=; no amino-acid change (isoleucine 224 retained).
Molecular consequence: synonymous variant.
Genome position (GRCh38, 1-based): chr19:1,220,655, T>A. VCF-style: chr19-1220655-T-A. GRCh37 (hg19) VCF-style: chr19-1220654-T-A.
Identifiers: ClinVar variation 458058 (VCV000458058.23), dbSNP rs1230000936, ClinGen allele CA504892407.

ClinVar aggregate classification (germline): Benign/Likely benign. Review status: criteria provided, multiple submitters, no conflicts (2 of 4 stars). 8 submissions from 8 submitters: Benign (1); Likely benign (7). Last evaluated 2025-03-27.

Conditions:
Peutz-Jeghers syndrome (PJS). Also called: POLYPOSIS, HAMARTOMATOUS INTESTINAL; POLYPS-AND-SPOTS SYNDROME; Peutz-Jeghers polyposis; Periorificial lentiginosis syndrome. Identifiers: Orphanet 2869, MedGen C0031269, MeSH D010580, MONDO:0008280, OMIM 175200.
Hereditary cancer-predisposing syndrome. Also called: Hereditary Cancer Syndrome; Hereditary neoplastic syndrome; Tumor predisposition; Neoplastic Syndromes, Hereditary. Identifiers: Orphanet 140162, MedGen C0027672, MeSH D009386, MONDO:0015356.

Allele frequency attached by ClinVar (database versions not stated): gnomAD exomes below 0.00001; TOPMed below 0.00001.
gnomAD v4.1: 5 of 1,610,602 alleles (0.00031%); highest among the groups gnomAD compares: East Asian, 0.0022%; no homozygotes.

Submissions (8):

Myriad Genetics, Inc.
Classification: Benign for Peutz-Jeghers syndrome. Last evaluated: 2025-03-27. Review status: criteria provided, single submitter. Criteria: Myriad Autosomal Dominant, Autosomal Recessive and X-Linked Classification Criteria (2023). Collection method: clinical testing. Allele origin: unknown.
Comment: This variant is considered benign. This variant is a silent/synonymous amino acid change and it is not expected to impact splicing.

Labcorp Genetics (formerly Invitae), Labcorp
Classification: Likely benign for Peutz-Jeghers syndrome. Last evaluated: 2024-09-23. Review status: criteria provided, single submitter. Criteria: Invitae Variant Classification Sherloc (09022015). Collection method: clinical testing. Allele origin: germline.

All of Us Research Program, National Institutes of Health
Classification: Likely benign for Peutz-Jeghers syndrome. Last evaluated: 2023-11-02. Review status: criteria provided, single submitter. Criteria: ACMG Guidelines, 2015. Collection method: clinical testing. Allele origin: germline. Inheritance: Autosomal dominant inheritance. Observed: 3 variant alleles, 3 heterozygotes.
Comment: This study involves interpretation of variants in research participants for the purpose of population health screening. Participant phenotype was not available at the time of variant classification. Additional details can be found in publication PMID: 35346344, PMCID: PMC8962531

Sema4
Classification: Likely benign for Hereditary cancer-predisposing syndrome. Last evaluated: 2021-07-20. Review status: criteria provided, single submitter. Criteria: Sema4 Curation Guidelines. Collection method: curation. Allele origin: germline.

Department of Pathology and Laboratory Medicine, Sinai Health System
Classification: Likely benign for Peutz-Jeghers syndrome. Last evaluated: 2020-08-10. Review status: criteria provided, single submitter. Criteria: ACMG Guidelines, 2015. Collection method: clinical testing. Allele origin: germline. Affected: yes.

GeneDx
Classification: Likely benign. Last evaluated: 2018-04-20. Review status: criteria provided, single submitter. Criteria: GeneDx Variant Classification (06012015). Collection method: clinical testing. Allele origin: germline. Affected: yes.
Comment: This variant is considered likely benign or benign based on one or more of the following criteria: it is a conservative change, it occurs at a poorly conserved position in the protein, it is predicted to be benign by multiple in silico algorithms, and/or has population frequency not consistent with disease.

Color Diagnostics, LLC DBA Color Health
Classification: Likely benign for Hereditary cancer-predisposing syndrome. Last evaluated: 2018-01-25. Review status: criteria provided, single submitter. Criteria: ACMG Guidelines, 2015. Collection method: clinical testing. Allele origin: germline.

Ambry Genetics
Classification: Likely benign for Hereditary cancer-predisposing syndrome. Last evaluated: 2016-03-09. Review status: criteria provided, single submitter. Criteria: Ambry Variant Classification Scheme 2023. Collection method: clinical testing. Allele origin: germline.